The following is an entry in ClinVar:

NM_002439.5(MSH3):c.1650T>C (p.Asn550=)

Gene: MSH3 (mutS homolog 3; plus strand). Cytogenetic location: 5q14.1.
Variant type: single nucleotide variant.
Coding change: c.1650T>C on transcript NM_002439.5 (MANE Select); coding-DNA position 1650, T replaced by C.
Protein change: p.Asn550=; no amino-acid change (asparagine 550 retained).
Molecular consequence: synonymous variant.
Genome position (GRCh38, 1-based): chr5:80,741,545, T>C. VCF-style: chr5-80741545-T-C. GRCh37 (hg19) VCF-style: chr5-80037364-T-C.
Identifiers: ClinVar variation 3251021 (VCV003251021.18), dbSNP rs2546760504.
Genomic context (GRCh38, chr5:80,741,545, plus strand): 5'-TAAAATGGAATTTATGACAATTAATGGAACAACATTAAGGAATCTGGAAATCCTACAGAA[T>C]CAGGTCAGGCAAATACAAGGGCTAGTTGATTATAAATCGTTTTGGGAAAAACTTCTGAGT-3'
Protein context (NP_002430.3, residues 540-560): TTLRNLEILQ[Asn550=]QTDMKTKGSL

ClinVar aggregate classification (germline): Likely benign (1 of 4 stars; one submission).

Submission:

CeGaT Center for Human Genetics Tuebingen
Classification: Likely benign. Last evaluated: 2024-06-01. Review status: criteria provided, single submitter. Criteria: CeGaT Center For Human Genetics Tuebingen Variant Classification Criteria Version 2. Collection method: clinical testing. Allele origin: germline. Affected: yes. Observed: 1 variant allele.
Comment: MSH3: PM2:Supporting, BP4, BP7